The following is an entry in ClinVar:

ClinVar aggregate classification (germline): Uncertain significance (1 of 4 stars; one submission).

Conditions:
Inborn genetic diseases. Identifiers: MedGen C0950123, MeSH D030342.

Submission:

Ambry Genetics
Classification: Uncertain significance for Inborn genetic diseases. Last evaluated: 2025-12-11. Review status: criteria provided, single submitter. Criteria: Ambry Variant Classification Scheme 2023. Collection method: clinical testing. Allele origin: germline.
Comment: The c.328+5G>A intronic variant results from a G to A substitution 5 nucleotides after coding exon 3 in the ETV6 gene. This nucleotide position is highly conserved in available vertebrate species. In silico splice site analysis predicts that this alteration will not have any significant effect on splicing. Based on the available evidence, the clinical significance of this variant remains unclear.

NM_001987.5(ETV6):c.328+5G>A

Genes: ETV6 (ETS variant transcription factor 6; plus strand), LOC126861451 (BRD4-independent group 4 enhancer GRCh37_chr12:11991350-11992549; plus strand). Cytogenetic location: 12p13.2.
Variant type: single nucleotide variant.
Coding change: c.328+5G>A on transcript NM_001987.5 (MANE Select); 5 bases into the intron after coding-DNA position 328, G replaced by A.
Molecular consequence: intron variant.
Genome position (GRCh38, 1-based): chr12:11,839,309, G>A. VCF-style: chr12-11839309-G-A. GRCh37 (hg19) VCF-style: chr12-11992243-G-A.
Other names: c.301+5G>A (NM_001413914.1); c.328+5G>A (NM_001413917.1, NM_001413916.1, NM_001413918.1); c.325+5G>A (NM_001413913.1); c.64+5G>A (NM_001413915.1).
Identifiers: ClinVar variation 4618884 (VCV004618884.1).